The following is an entry in ClinVar:

ClinVar aggregate classification (germline): Pathogenic. Review status: reviewed by expert panel (3 of 4 stars). 2 submissions from 2 submitters: Pathogenic (1). 1 of the submissions does not count toward it. Last evaluated 2016-09-08.

Conditions:
Breast-ovarian cancer, familial, susceptibility to, 1 (BROVCA1). Also called: OVARIAN CANCER, SUSCEPTIBILITY TO; BRCA1 Hereditary Breast and Ovarian Cancer. Identifiers: Orphanet 145, MedGen C2676676, MONDO:0011450, OMIM 604370. Disease mechanism: loss of function.

Submissions (2):

Evidence-based Network for the Interpretation of Germline Mutant Alleles (ENIGMA)
Classification: Pathogenic for Breast-ovarian cancer, familial, susceptibility to, 1. Last evaluated: 2016-09-08. Review status: reviewed by expert panel. Criteria: ENIGMA BRCA1/2 Classification Criteria (2015). Collection method: curation. Allele origin: germline.
Comment: Variant allele predicted to encode a truncated non-functional protein.

Breast Cancer Information Core (BIC) (BRCA1)
Classification: Pathogenic for Breast-ovarian cancer, familial 1. Last evaluated: 1999-04-06. Review status: no assertion criteria provided. Collection method: clinical testing. Allele origin: germline. Affected: yes. Observed: 1 variant allele. Not counted in ClinVar's aggregate classification.

NM_007294.4(BRCA1):c.2390_2391del (p.Glu797fs)

Gene: BRCA1 (BRCA1 DNA repair associated; minus strand). Cytogenetic location: 17q21.31.
Variant type: Deletion.
Coding change: c.2390_2391del on transcript NM_007294.4 (MANE Select); coding-DNA positions 2390 to 2391, 2 bases deleted (AA; older notation c.2390_2391delAA).
Protein change: p.Glu797fs; shifts the reading frame from glutamic acid 797.
Molecular consequence: frameshift variant. On other transcripts: intron variant (137).
Genome position (GRCh38, 1-based): chr17:43,093,140-43,093,141, TT deleted on the plus strand (AA on the coding strand, the reverse complement: BRCA1 is on the minus strand). VCF-style (leftmost placement, unchanged base first): chr17-43093139-GTT-G. GRCh37 (hg19) VCF-style: chr17-41245156-GTT-G.
Other names: 2509delAA; c.2177_2178del, p.Glu726fs (NM_001407571.1, NM_001407853.1, NM_001407894.1 and 9 more transcripts); c.2390_2391del, p.Glu797fs (NM_001407581.1, NM_001407582.1, NM_001407583.1 and 30 more transcripts); c.2387_2388del, p.Glu796fs (NM_001407587.1, NM_001407590.1, NM_001407591.1 and 22 more transcripts); c.2381_2382del, p.Glu794fs (NM_001407646.1, NM_001407647.1); c.2267_2268del, p.Glu756fs (NM_001407648.1, NM_001407664.1, NM_001407665.1 and 19 more transcripts); c.2264_2265del, p.Glu755fs (NM_001407649.1, NM_001407670.1, NM_001407671.1 and 11 more transcripts); c.2312_2313del, p.Glu771fs (NM_001407653.1, NM_001407654.1, NM_001407655.1 and 4 more transcripts); and 42 more; short protein forms E750fs, E797fs, E501fs, E629fs, E669fs, E729fs, E749fs, E685fs.
Identifiers: ClinVar variation 54554 (VCV000054554.4), dbSNP rs80357546, ClinGen allele CA001589.